The following is an entry in ClinVar:

ClinVar aggregate classification (germline): Uncertain significance (1 of 4 stars; one submission).

Conditions:
Achondrogenesis, type IA (ACG1A). Identifiers: Orphanet 932, Orphanet 93299, MedGen C0265273, MONDO:0008701, OMIM 200600.

Allele frequency attached by ClinVar (database versions not stated): gnomAD exomes below 0.00001.
gnomAD v4.1: 1 of 1,612,388 alleles (0.000062%); highest among the groups gnomAD compares: Non-Finnish European, 0.000085%; no homozygotes.

Submission:

Labcorp Genetics (formerly Invitae), Labcorp
Classification: Uncertain significance for Achondrogenesis, type IA. Last evaluated: 2024-02-05. Review status: criteria provided, single submitter. Criteria: Invitae Variant Classification Sherloc (09022015). Collection method: clinical testing. Allele origin: germline.
Comment: This sequence change replaces aspartic acid, which is acidic and polar, with asparagine, which is neutral and polar, at codon 230 of the TRIP11 protein (p.Asp230Asn). This variant is not present in population databases (gnomAD no frequency). This variant has not been reported in the literature in individuals affected with TRIP11-related conditions. ClinVar contains an entry for this variant (Variation ID: 1954611). Advanced modeling of protein sequence and biophysical properties (such as structural, functional, and spatial information, amino acid conservation, physicochemical variation, residue mobility, and thermodynamic stability) performed at Invitae indicates that this missense variant is not expected to disrupt TRIP11 protein function with a negative predictive value of 80%. In summary, the available evidence is currently insufficient to determine the role of this variant in disease. Therefore, it has been classified as a Variant of Uncertain Significance.

NM_004239.4(TRIP11):c.688G>A (p.Asp230Asn)

Gene: TRIP11 (thyroid hormone receptor interactor 11; minus strand). Cytogenetic location: 14q32.12.
Variant type: single nucleotide variant.
Coding change: c.688G>A on transcript NM_004239.4 (MANE Select); coding-DNA position 688, G replaced by A.
Protein change: p.Asp230Asn; replaces aspartic acid 230 with asparagine.
Molecular consequence: missense variant.
Genome position (GRCh38, 1-based): chr14:92,015,831, C>T on the plus strand (G>A on the coding strand, the complement: TRIP11 is on the minus strand). VCF-style: chr14-92015831-C-T. GRCh37 (hg19) VCF-style: chr14-92482175-C-T.
Other names: c.685G>A, p.Asp229Asn (NM_001321851.1); short protein forms D229N, D230N.
Identifiers: ClinVar variation 1954611 (VCV001954611.5), dbSNP rs2543063630, ClinGen allele CA390664852.
Genomic context (GRCh38, chr14:92,015,831, plus strand): 5'-TTTCTGTCAATTTCTGTTGGTGTGCATTCTGCAGTACTGACATTTCATGTTGATGGTCAT[C>T]AATTTCCTGACTTCGGTTCTGTTTTAGTTCCTTAAAAAATAAAAACAAAGTTATTCACAT-3'
Protein context (NP_004230.2, residues 220-240): ELKQNRSQEI[Asp230Asn]DHQHEMSVLQ